The following is an entry in ClinVar:

ClinVar aggregate classification (germline): Likely benign. Review status: criteria provided, multiple submitters, no conflicts (2 of 4 stars). 3 submissions from 3 submitters: Likely benign (3). Last evaluated 2025-07-28.

Conditions:
Agammaglobulinemia 2, autosomal recessive (AGM2). Also called: AGAMMAGLOBULINEMIA, AUTOSOMAL RECESSIVE, DUE TO IGLL1 DEFECT. Identifiers: MedGen C3150750, MONDO:0013287, OMIM 613500.

Allele frequency attached by ClinVar (database versions not stated): gnomAD below 0.00001 and 0.00005; TOPMed 0.00003; 1000 Genomes Project 0.00020; gnomAD exomes 0.00023; ExAC 0.00026; 1000 Genomes Project 30x 0.00047.
gnomAD v4.1: 171 of 1,614,008 alleles (0.011%); highest among the groups gnomAD compares: South Asian, 0.17%; 1 homozygote.

Submissions (3):

Labcorp Genetics (formerly Invitae), Labcorp
Classification: Likely benign for Agammaglobulinemia 2, autosomal recessive. Last evaluated: 2025-07-28. Review status: criteria provided, single submitter. Criteria: Invitae Variant Classification Sherloc (09022015). Collection method: clinical testing. Allele origin: germline.

CeGaT Center for Human Genetics Tuebingen
Classification: Likely benign. Last evaluated: 2024-07-01. Review status: criteria provided, single submitter. Criteria: CeGaT Center For Human Genetics Tuebingen Variant Classification Criteria Version 2. Collection method: clinical testing. Allele origin: germline. Affected: yes. Observed: 1 variant allele.
Comment: IGLL1: BP4, BP7

Blueprint Genetics
Classification: Likely benign. Last evaluated: 2023-02-27. Review status: criteria provided, single submitter. Criteria: ACMG Guidelines, 2015. Collection method: clinical testing. Allele origin: germline.

NM_020070.4(IGLL1):c.468C>A (p.Ile156=)

Gene: IGLL1 (immunoglobulin lambda like polypeptide 1; minus strand). Cytogenetic location: 22q11.23.
Variant type: single nucleotide variant.
Coding change: c.468C>A on transcript NM_020070.4 (MANE Select); coding-DNA position 468, C replaced by A.
Protein change: p.Ile156=; no amino-acid change (isoleucine 156 retained).
Molecular consequence: synonymous variant. On other transcripts: 3 prime UTR variant (1).
Genome position (GRCh38, 1-based): chr22:23,573,440, G>T on the plus strand (C>A on the coding strand, the complement: IGLL1 is on the minus strand). VCF-style: chr22-23573440-G-T. GRCh37 (hg19) VCF-style: chr22-23915627-G-T.
Other names: c.471C>A, p.Ile157= (NM_001369906.1); c.*97C>A (NM_152855.3).
Identifiers: ClinVar variation 753746 (VCV000753746.29), dbSNP rs536839343, ClinGen allele CA10143262.
Genomic context (GRCh38, chr22:23,573,440, plus strand): 5'-GCTGGCCGCGTACTTGTTGTTGCTCTGTTTGGAGGGCGTGGTCATCTCCACGCCCTGGGT[G>T]ATGGGGGTACCATCTGCCTTCCAGGTCACCGTCAAGATTCCCGGATAAAAGTCATTCATG-3'
Protein context (NP_064455.1, residues 146-166): TVTWKADGTP[Ile156=]TQGVEMTTPS